The following is an entry in ClinVar:

ClinVar aggregate classification (germline): Likely benign (1 of 4 stars; one submission).

gnomAD v4.1: 33 of 1,605,930 alleles (0.0021%); highest among the groups gnomAD compares: Non-Finnish European, 0.0028%; no homozygotes.

Submission:

CeGaT Center for Human Genetics Tuebingen
Classification: Likely benign. Last evaluated: 2026-03-01. Review status: criteria provided, single submitter. Criteria: CeGaT Center For Human Genetics Tuebingen Variant Classification Criteria Version 2. Collection method: clinical testing. Allele origin: germline. Affected: yes. Observed: 1 variant allele.
Comment: NBEA: BP4

NM_001385012.1(NBEA):c.6295A>G (p.Ile2099Val)

Gene: NBEA (neurobeachin; plus strand). Cytogenetic location: 13q13.3.
Variant type: single nucleotide variant.
Coding change: c.6295A>G on transcript NM_001385012.1 (MANE Select); coding-DNA position 6295, A replaced by G.
Protein change: p.Ile2099Val; replaces isoleucine 2099 with valine.
Molecular consequence: missense variant.
Genome position (GRCh38, 1-based): chr13:35,432,384, A>G. VCF-style: chr13-35432384-A-G. GRCh37 (hg19) VCF-style: chr13-36006521-A-G.
Other names: c.6286A>G, p.Ile2096Val (NM_001379245.1); c.6295A>G, p.Ile2099Val (NM_015678.5); short protein forms I2096V, I2099V.
Identifiers: ClinVar variation 4821465 (VCV004821465.4).